The following is an entry in ClinVar:

NM_000088.4(COL1A1):c.1354-1G>T

Gene: COL1A1 (collagen type I alpha 1 chain; minus strand). Cytogenetic location: 17q21.33.
Variant type: single nucleotide variant.
Coding change: c.1354-1G>T on transcript NM_000088.4 (MANE Select); the canonical splice acceptor site of the intron before coding-DNA position 1354, G replaced by T.
Molecular consequence: splice acceptor variant.
Genome position (GRCh38, 1-based): chr17:50,194,829, C>A on the plus strand (G>T on the coding strand, the complement: COL1A1 is on the minus strand). VCF-style: chr17-50194829-C-A. GRCh37 (hg19) VCF-style: chr17-48272190-C-A.
Identifiers: ClinVar variation 2631135 (VCV002631135.1), dbSNP rs112101899, ClinGen allele CA291546354.

ClinVar aggregate classification (germline): Pathogenic (1 of 4 stars; one submission).

Conditions:
COL1A1-related disorder. Also called: COL1A1- related disease; COL1A1-related condition.

Submission:

PreventionGenetics, part of Exact Sciences
Classification: Pathogenic for COL1A1-related condition. Last evaluated: 2023-09-17. Review status: criteria provided, single submitter. Criteria: ACMG Guidelines, 2015. Collection method: clinical testing. Allele origin: germline.
Comment: The COL1A1 c.1354-1G>T variant is predicted to disrupt the AG splice acceptor site and interfere with normal splicing. This variant and similar variants were reported in individuals with osteogenesis imperfecta (Schleit et al 2015. PubMed ID: 25963598; Human Gene Mutation Database). This variant has not been reported in a large population database, indicating this variant is rare. Variants that disrupt the consensus splice acceptor site in COL1A1 are expected to be pathogenic. This variant is interpreted as pathogenic.